The following is an entry in ClinVar:

ClinVar aggregate classification (germline): Uncertain significance (1 of 4 stars; one submission).

Conditions:
Gastrointestinal stromal tumor. Also called: Gastrointestinal stroma tumor; Gastrointestinal stromal tumor, somatic. Identifiers: Orphanet 44890, MedGen C0238198, MeSH D046152, MONDO:0011719, OMIM 606764, HP:0100723.

Allele frequency attached by ClinVar (database versions not stated): gnomAD 0.00001.

Submission:

Labcorp Genetics (formerly Invitae), Labcorp
Classification: Uncertain significance for Gastrointestinal stromal tumor. Last evaluated: 2022-04-28. Review status: criteria provided, single submitter. Criteria: Invitae Variant Classification Sherloc (09022015). Collection method: clinical testing. Allele origin: germline.
Comment: In summary, the available evidence is currently insufficient to determine the role of this variant in disease. Therefore, it has been classified as a Variant of Uncertain Significance. Algorithms developed to predict the effect of missense changes on protein structure and function (SIFT, PolyPhen-2, Align-GVGD) all suggest that this variant is likely to be tolerated. This variant has not been reported in the literature in individuals affected with PDGFRA-related conditions. This variant is present in population databases (no rsID available, gnomAD 0.01%). This sequence change replaces serine, which is neutral and polar, with glycine, which is neutral and non-polar, at codon 482 of the PDGFRA protein (p.Ser482Gly).

NM_006206.6(PDGFRA):c.1444A>G (p.Ser482Gly)

Gene: PDGFRA (platelet derived growth factor receptor alpha; plus strand). Cytogenetic location: 4q12.
Variant type: single nucleotide variant.
Coding change: c.1444A>G on transcript NM_006206.6 (MANE Select); coding-DNA position 1444, A replaced by G.
Protein change: p.Ser482Gly; replaces serine 482 with glycine.
Molecular consequence: missense variant.
Genome position (GRCh38, 1-based): chr4:54,273,616, A>G. VCF-style: chr4-54273616-A-G. GRCh37 (hg19) VCF-style: chr4-55139783-A-G.
Other names: c.1444A>G, p.Ser482Gly (NM_001347827.2, NM_001347829.2); c.1519A>G, p.Ser507Gly (NM_001347828.2); c.1483A>G, p.Ser495Gly (NM_001347830.2); short protein forms S495G, S482G, S507G.
Identifiers: ClinVar variation 2131581 (VCV002131581.4), dbSNP rs1423737250, ClinGen allele CA356892580.
Genomic context (GRCh38, chr4:54,273,616, plus strand): 5'-TGGACTATTTTGGCCAACAATGTCTCAAACATCATCACGGAGATCCACTCCCGAGACAGG[A>G]GTACCGTGGAGGGCCGTGTGACTTTCGCCAAAGTGGAGGAGACCATCGCCGTGCGATGCC-3'
Protein context (NP_006197.1, residues 472-492): IITEIHSRDR[Ser482Gly]TVEGRVTFAK